The following is an entry in ClinVar:

ClinVar aggregate classification (germline): Likely benign. Review status: criteria provided, single submitter (1 of 4 stars). 2 submissions from 2 submitters: Likely benign (1). 1 of the submissions does not count toward it. Last evaluated 2021-01-07.

Conditions:
CEP104-related disorder. Also called: CEP104-related condition.

Allele frequency attached by ClinVar (database versions not stated): 1000 Genomes Project 30x 0.00016.

Submissions (2):

Blueprint Genetics
Classification: Likely benign. Last evaluated: 2021-01-07. Review status: criteria provided, single submitter. Criteria: ACMG Guidelines, 2015. Collection method: clinical testing. Allele origin: germline.

PreventionGenetics, part of Exact Sciences
Classification: Likely benign for CEP104-related condition. Last evaluated: 2021-12-09. Review status: no assertion criteria provided. Collection method: clinical testing. Allele origin: germline. Not counted in ClinVar's aggregate classification.
Comment: This variant is classified as likely benign based on ACMG/AMP sequence variant interpretation guidelines (Richards et al. 2015 PMID: 25741868, with internal and published modifications).

NM_014704.4(CEP104):c.1884G>A (p.Thr628=)

Genes: CEP104 (centrosomal protein 104; minus strand), LOC126805586 (CDK7 strongly-dependent group 2 enhancer GRCh37_chr1:3745882-3747081; plus strand). Cytogenetic location: 1p36.32.
Variant type: single nucleotide variant.
Coding change: c.1884G>A on transcript NM_014704.4 (MANE Select); coding-DNA position 1884, G replaced by A.
Protein change: p.Thr628=; no amino-acid change (threonine 628 retained).
Molecular consequence: synonymous variant.
Genome position (GRCh38, 1-based): chr1:3,829,950, C>T on the plus strand (G>A on the coding strand, the complement: CEP104 is on the minus strand). VCF-style: chr1-3829950-C-T. GRCh37 (hg19) VCF-style: chr1-3746514-C-T.
Identifiers: ClinVar variation 3031342 (VCV003031342.3), dbSNP rs12144567, ClinGen allele CA551478.
Genomic context (GRCh38, chr1:3,829,950, plus strand): 5'-AAGGTACTCCAGGATGGAAGCCTGGTGCTGTCTGTACATGTCCAAAATAATTCGAACCGC[C>T]GTCTCGCGGACCTCATACACTCTATGCTCCAGGGCACTCACTGAAAACTAAAGTTGGGAG-3'
Protein context (NP_055519.1, residues 618-638): LEHRVYEVRE[Thr628=]AVRIILDMYR